The following is an entry in ClinVar:

NM_015058.2(VWA8):c.4559G>A (p.Arg1520Gln)

Gene: VWA8 (von Willebrand factor A domain containing 8; minus strand). Cytogenetic location: 13q14.11.
Variant type: single nucleotide variant.
Coding change: c.4559G>A on transcript NM_015058.2 (MANE Select); coding-DNA position 4559, G replaced by A.
Protein change: p.Arg1520Gln; replaces arginine 1520 with glutamine.
Molecular consequence: missense variant.
Genome position (GRCh38, 1-based): chr13:41,670,998, C>T on the plus strand (G>A on the coding strand, the complement: VWA8 is on the minus strand). VCF-style: chr13-41670998-C-T. GRCh37 (hg19) VCF-style: chr13-42245134-C-T.
Other names: short protein forms R1520Q.
Identifiers: ClinVar variation 3778028 (VCV003778028.7).

ClinVar aggregate classification (germline): Uncertain significance (1 of 4 stars; one submission).

gnomAD v4.1: 123 of 1,613,914 alleles (0.0076%); highest among the groups gnomAD compares: Middle Eastern, 0.12%; no homozygotes.

Submission:

CeGaT Center for Human Genetics Tuebingen
Classification: Uncertain significance. Last evaluated: 2025-03-01. Review status: criteria provided, single submitter. Criteria: CeGaT Center For Human Genetics Tuebingen Variant Classification Criteria Version 2. Collection method: clinical testing. Allele origin: germline. Affected: yes. Observed: 1 variant allele.
Comment: VWA8: PM2, BP4